The following is an entry in ClinVar:

ClinVar aggregate classification (germline): Likely benign (1 of 4 stars; one submission).

gnomAD v4.1: 1 of 1,210,816 alleles (0.000083%); no homozygotes.

Submission:

CeGaT Center for Human Genetics Tuebingen
Classification: Likely benign. Last evaluated: 2024-01-01. Review status: criteria provided, single submitter. Criteria: CeGaT Center For Human Genetics Tuebingen Variant Classification Criteria Version 2. Collection method: clinical testing. Allele origin: germline. Affected: yes. Observed: 1 variant allele.
Comment: AFF2: PM2:Supporting, BP4, BP7

NM_002025.4(AFF2):c.1803T>A (p.Thr601=)

Gene: AFF2 (ALF transcription elongation factor 2; plus strand). Cytogenetic location: Xq28.
Variant type: single nucleotide variant.
Coding change: c.1803T>A on transcript NM_002025.4 (MANE Select); coding-DNA position 1803, T replaced by A.
Protein change: p.Thr601=; no amino-acid change (threonine 601 retained).
Molecular consequence: synonymous variant.
Genome position (GRCh38, 1-based): chrX:148,955,848, T>A. VCF-style: chrX-148955848-T-A. GRCh37 (hg19) VCF-style: chrX-148037378-T-A.
Other names: c.1704T>A, p.Thr568= (NM_001169122.2); c.1773T>A, p.Thr591= (NM_001169123.2); c.1698T>A, p.Thr566= (NM_001169124.2); c.1686T>A, p.Thr562= (NM_001169125.2); c.726T>A, p.Thr242= (NM_001170628.1).
Identifiers: ClinVar variation 3025184 (VCV003025184.22), dbSNP rs2521891696, ClinGen allele CA519173854.